The following is an entry in ClinVar:

ClinVar aggregate classification (germline): Uncertain significance. Review status: criteria provided, single submitter (1 of 4 stars). 2 submissions from 2 submitters: Uncertain significance (1). 1 of the submissions does not count toward it. Last evaluated 2020-11-04.

Conditions:
Stargardt disease (FFM). Also called: Stargardt's disease; Fundus flavimaculatus. Identifiers: Orphanet 827, MedGen C0271093, MONDO:0019353.

Submissions (2):

Labcorp Genetics (formerly Invitae), Labcorp
Classification: Uncertain significance. Last evaluated: 2020-11-04. Review status: criteria provided, single submitter. Criteria: Invitae Variant Classification Sherloc (09022015). Collection method: clinical testing. Allele origin: germline.
Comment: This variant is not present in population databases (ExAC no frequency). This sequence change replaces glutamic acid with glycine at codon 2134 of the ABCA4 protein (p.Glu2134Gly). The glutamic acid residue is highly conserved and there is a moderate physicochemical difference between glutamic acid and glycine. This variant has not been reported in the literature in individuals with ABCA4-related conditions. In summary, the available evidence is currently insufficient to determine the role of this variant in disease. Therefore, it has been classified as a Variant of Uncertain Significance. Advanced modeling of protein sequence and biophysical properties (such as structural, functional, and spatial information, amino acid conservation, physicochemical variation, residue mobility, and thermodynamic stability) performed at Invitae indicates that this missense variant is expected to disrupt ABCA4 protein function.

Ophthalmo-Genetics Lab, Instituto de Oftalmologia Conde de Valenciana
Classification: Likely pathogenic for Stargardt disease. Last evaluated: 2022-12-20. Review status: no assertion criteria provided. Collection method: research. Allele origin: biparental. Inheritance: Autosomal recessive inheritance. Affected: yes. Observed: 1 compound heterozygote. Not counted in ClinVar's aggregate classification.
Comment: PP1,PP4, PM3,PM1,PP2,PM2,PP3 ACMG Criteria

Literature cited by the submitters: PubMed 35608843 (cited by Ophthalmo-Genetics Lab, Instituto de Oftalmologia Conde de Valenciana).

NM_000350.3(ABCA4):c.6401A>G (p.Glu2134Gly)

Gene: ABCA4 (ATP binding cassette subfamily A member 4; minus strand). Cytogenetic location: 1p22.1.
Variant type: single nucleotide variant.
Coding change: c.6401A>G on transcript NM_000350.3 (MANE Select); coding-DNA position 6401, A replaced by G.
Protein change: p.Glu2134Gly; replaces glutamic acid 2134 with glycine.
Molecular consequence: missense variant.
Genome position (GRCh38, 1-based): chr1:94,000,914, T>C on the plus strand (A>G on the coding strand, the complement: ABCA4 is on the minus strand). VCF-style: chr1-94000914-T-C. GRCh37 (hg19) VCF-style: chr1-94466470-T-C.
Other names: c.6179A>G, p.Glu2060Gly (NM_001425324.1); short protein forms E2134G, E2060G.
Identifiers: ClinVar variation 1510982 (VCV001510982.9), dbSNP rs2100993742, ClinGen allele CA341277376.